The following is an entry in ClinVar:

NM_001377540.1(SLMAP):c.1838C>G (p.Ser613Cys)

Gene: SLMAP (sarcolemma associated protein; plus strand). Cytogenetic location: 3p14.3.
Variant type: single nucleotide variant.
Coding change: c.1838C>G on transcript NM_001377540.1 (MANE Select); coding-DNA position 1838, C replaced by G.
Protein change: p.Ser613Cys; replaces serine 613 with cysteine.
Molecular consequence: missense variant. On other transcripts: non-coding transcript variant (1).
Genome position (GRCh38, 1-based): chr3:57,912,519, C>G. VCF-style: chr3-57912519-C-G. GRCh37 (hg19) VCF-style: chr3-57898246-C-G.
Other names: c.1673C>G, p.Ser558Cys (NM_001304421.2, NM_001377557.1, NM_001377559.1); c.389C>G, p.Ser130Cys (NM_001304422.3, NM_001311178.2); c.191C>G, p.Ser64Cys (NM_001304423.3); c.266C>G, p.Ser89Cys (NM_001311179.2, NM_001377926.1, NM_001377927.1 and 1 more transcripts); c.1859C>G, p.Ser620Cys (NM_001377538.1); c.1838C>G, p.Ser613Cys (NM_001377539.1); c.1787C>G, p.Ser596Cys (NM_001377541.1, NM_001377542.1, NM_001304420.3); c.1775C>G, p.Ser592Cys (NM_001377545.1); and 8 more; short protein forms S130C, S517C, S534C, S538C, S551C, S555C, S558C, S572C.
Identifiers: ClinVar variation 4864675 (VCV004864675.1).

ClinVar aggregate classification (germline): Uncertain significance (1 of 4 stars; one submission).

Submission:

Ambry Genetics
Classification: Uncertain significance. Last evaluated: 2026-04-30. Review status: criteria provided, single submitter. Criteria: Ambry Variant Classification Scheme 2023. Collection method: clinical testing. Allele origin: germline.
Comment: The p.S579C variant (also known as c.1736C>G), located in coding exon 17 of the SLMAP gene, results from a C to G substitution at nucleotide position 1736. The serine at codon 579 is replaced by cysteine, an amino acid with dissimilar properties. This amino acid position is conserved. In addition, this alteration is predicted to be tolerated by in silico analysis. Based on the available evidence, the clinical significance of this variant remains unclear.